The following is an entry in ClinVar:

ClinVar aggregate classification (germline): Uncertain significance (1 of 4 stars; one submission).

Submission:

Labcorp Genetics (formerly Invitae), Labcorp
Classification: Uncertain significance. Last evaluated: 2023-09-30. Review status: criteria provided, single submitter. Criteria: Invitae Variant Classification Sherloc (09022015). Collection method: clinical testing. Allele origin: germline.
Comment: This sequence change falls in intron 3 of the RPL19 gene. It does not directly change the encoded amino acid sequence of the RPL19 protein. Information on the frequency of this variant in the gnomAD database is not available, as this variant may be reported differently in the database. This variant has not been reported in the literature in individuals affected with RPL19-related conditions. Experimental studies and prediction algorithms are not available or were not evaluated, and the effect of this variant on mRNA splicing is currently unknown. In summary, the available evidence is currently insufficient to determine the role of this variant in disease. Therefore, it has been classified as a Variant of Uncertain Significance.

NM_000981.4(RPL19):c.235+12_235+13delinsGG

Gene: RPL19 (ribosomal protein L19; plus strand). Cytogenetic location: 17q12.
Variant type: Indel.
Coding change: c.235+12_235+13delinsGG on transcript NM_000981.4 (MANE Select); bases 12 to 13 of the intron after coding-DNA position 235, CA replaced by GG.
Molecular consequence: intron variant.
Genome position (GRCh38, 1-based): chr17:39,202,451-39,202,452, CA replaced by GG. VCF-style: chr17-39202451-CA-GG. GRCh37 (hg19) VCF-style: chr17-37358704-CA-GG.
Other names: c.229+12_229+13delinsGG (NM_001330200.1).
Identifiers: ClinVar variation 2987810 (VCV002987810.3), dbSNP rs2509310976, ClinGen allele CA2740095328.